The following is an entry in ClinVar:

NM_020937.4(FANCM):c.6038A>G (p.Gln2013Arg)

Gene: FANCM (FA complementation group M; plus strand). Cytogenetic location: 14q21.2.
Variant type: single nucleotide variant.
Coding change: c.6038A>G on transcript NM_020937.4 (MANE Select); coding-DNA position 6038, A replaced by G.
Protein change: p.Gln2013Arg; replaces glutamine 2013 with arginine.
Molecular consequence: missense variant.
Genome position (GRCh38, 1-based): chr14:45,199,899, A>G. VCF-style: chr14-45199899-A-G. GRCh37 (hg19) VCF-style: chr14-45669102-A-G.
Other names: c.5960A>G, p.Gln1987Arg (NM_001308133.2); short protein forms Q2013R, Q1987R.
Identifiers: ClinVar variation 2849301 (VCV002849301.3), dbSNP rs2503284617, ClinGen allele CA389588083.
Genomic context (GRCh38, chr14:45,199,899, plus strand): 5'-GTGTAATGATTTTGTCTCATTTATTTTTCAGCTCACTTCAAGAAATCTCCATGTATGCAC[A>G]AGTAACTCATCAGAAGGCTGAGGAGATCTATAGATATATTCACTATGTATTTGACATACA-3'
Protein context (NP_065988.1, residues 2003-2023): SSLQEISMYA[Gln2013Arg]VTHQKAEEIY

ClinVar aggregate classification (germline): Uncertain significance (1 of 4 stars; one submission).

Conditions:
Fanconi anemia (FA). Also called: Fanconi's anemia. Identifiers: Orphanet 84, MedGen C0015625, MeSH D005199, MONDO:0019391.

Submission:

Labcorp Genetics (formerly Invitae), Labcorp
Classification: Uncertain significance for Fanconi anemia. Last evaluated: 2023-03-25. Review status: criteria provided, single submitter. Criteria: Invitae Variant Classification Sherloc (09022015). Collection method: clinical testing. Allele origin: germline.
Comment: This sequence change replaces glutamine, which is neutral and polar, with arginine, which is basic and polar, at codon 2013 of the FANCM protein (p.Gln2013Arg). This variant is not present in population databases (gnomAD no frequency). This variant has not been reported in the literature in individuals affected with FANCM-related conditions. Algorithms developed to predict the effect of missense changes on protein structure and function output the following: SIFT: "Not Available"; PolyPhen-2: "Possibly Damaging"; Align-GVGD: "Not Available". The arginine amino acid residue is found in multiple mammalian species, which suggests that this missense change does not adversely affect protein function. In summary, the available evidence is currently insufficient to determine the role of this variant in disease. Therefore, it has been classified as a Variant of Uncertain Significance.